The following is an entry in ClinVar:

ClinVar aggregate classification (germline): Conflicting classifications of pathogenicity. Review status: criteria provided, conflicting classifications (1 of 4 stars). 4 submissions from 4 submitters: Uncertain significance (3); Benign (1). Last evaluated 2025-12-03.

Conditions:
Tuberous sclerosis syndrome (TSC). Also called: Tuberous Sclerosis Complex; Tuberous sclerosis. Identifiers: Orphanet 805, MedGen C0041341, MONDO:0001734.
Hereditary cancer-predisposing syndrome. Also called: Neoplastic Syndromes, Hereditary; Hereditary Cancer Syndrome; Tumor predisposition; Hereditary neoplastic syndrome. Identifiers: Orphanet 140162, MedGen C0027672, MeSH D009386, MONDO:0015356.
Isolated focal cortical dysplasia type II (FCORD2). Also called: CORTICAL DYSPLASIA OF TAYLOR; Focal cortical dysplasia type II. Identifiers: Orphanet 268994, MedGen C1846385, MONDO:0011818, OMIM 607341, HP:0032051.
Tuberous sclerosis 2 (TSC2). Identifiers: Orphanet 805, MedGen C1860707, MONDO:0013199, OMIM 613254.

Allele frequency attached by ClinVar (database versions not stated): gnomAD exomes below 0.00001; gnomAD 0.00001; TOPMed 0.00002; ESP Exome Variant Server 0.00008.
gnomAD v4.1: 3 of 1,612,572 alleles (0.00019%); highest among the groups gnomAD compares: African/African-American, 0.0013%; no homozygotes.

Submissions (4):

Labcorp Genetics (formerly Invitae), Labcorp
Classification: Benign for Tuberous sclerosis 2. Last evaluated: 2025-12-03. Review status: criteria provided, single submitter. Criteria: Invitae Variant Classification Sherloc (09022015). Collection method: clinical testing. Allele origin: germline.

Color Diagnostics, LLC DBA Color Health
Classification: Uncertain significance for Tuberous sclerosis syndrome. Last evaluated: 2025-09-01. Review status: criteria provided, single submitter. Criteria: ACMG Guidelines, 2015. Collection method: clinical testing. Allele origin: germline.
Comment: This missense variant replaces isoleucine with valine at codon 991 of the TSC2 protein. Computational prediction is inconclusive regarding the impact of this variant on protein structure and function. To our knowledge, functional studies have not been reported for this variant. This variant has not been reported in individuals affected with TSC2-related disorders in the literature. This variant has been identified in 1/250160 chromosomes in the general population by the Genome Aggregation Database (gnomAD). The available evidence is insufficient to determine the role of this variant in disease conclusively. Therefore, this variant is classified as a Variant of Uncertain Significance.

Ambry Genetics
Classification: Uncertain significance for Hereditary cancer-predisposing syndrome. Last evaluated: 2025-02-26. Review status: criteria provided, single submitter. Criteria: Ambry Variant Classification Scheme 2023. Collection method: clinical testing. Allele origin: germline.
Comment: The p.I991V variant (also known as c.2971A>G), located in coding exon 26 of the TSC2 gene, results from an A to G substitution at nucleotide position 2971. The isoleucine at codon 991 is replaced by valine, an amino acid with highly similar properties. This amino acid position is not well conserved in available vertebrate species. In addition, the in silico prediction for this alteration is inconclusive. Since supporting evidence is limited at this time, the clinical significance of this alteration remains unclear.

Baylor Genetics
Classification: Uncertain significance for Isolated focal cortical dysplasia type II. Last evaluated: 2023-05-05. Review status: criteria provided, single submitter. Criteria: ACMG Guidelines, 2015. Collection method: clinical testing. Allele origin: unknown.

NM_000548.5(TSC2):c.2971A>G (p.Ile991Val)

Gene: TSC2 (TSC complex subunit 2; plus strand). Cytogenetic location: 16p13.3.
Variant type: single nucleotide variant.
Coding change: c.2971A>G on transcript NM_000548.5 (MANE Select); coding-DNA position 2971, A replaced by G.
Protein change: p.Ile991Val; replaces isoleucine 991 with valine.
Molecular consequence: missense variant.
Genome position (GRCh38, 1-based): chr16:2,079,036, A>G. VCF-style: chr16-2079036-A-G. GRCh37 (hg19) VCF-style: chr16-2129037-A-G.
Other names: c.2839A>G, p.Ile947Val (NM_001077183.3, NM_001370404.1); c.2971A>G, p.Ile991Val (NM_001114382.3); c.2731A>G, p.Ile911Val (NM_001318827.2); c.2695A>G, p.Ile899Val (NM_001318829.2); c.2239A>G, p.Ile747Val (NM_001318831.2); c.2872A>G, p.Ile958Val (NM_001318832.2); c.2842A>G, p.Ile948Val (NM_001363528.2, NM_001370405.1, NM_021055.3); short protein forms I991V, I747V, I899V, I911V, I948V, I958V, I947V.
Identifiers: ClinVar variation 207737 (VCV000207737.12), dbSNP rs369524855, ClinGen allele CA319491.